The following is an entry in ClinVar:

ClinVar aggregate classification (germline): Benign/Likely benign. Review status: criteria provided, multiple submitters, no conflicts (2 of 4 stars). 4 submissions from 4 submitters: Benign (1); Likely benign (3). Last evaluated 2026-01-05.

Conditions:
Mitochondrial complex II deficiency, nuclear type 1. Also called: SUCCINATE CoQ REDUCTASE DEFICIENCY. Identifiers: Orphanet 3208, MedGen C5700310, MONDO:0100294, OMIM 252011.
Pheochromocytoma/paraganglioma syndrome 5. Also called: SDHA-Related Hereditary Paraganglioma-Pheochromocytoma Syndrome; Paragangliomas 5. Identifiers: Orphanet 29072, MedGen C3279992, MONDO:0013602, OMIM 614165.
Hereditary cancer-predisposing syndrome. Also called: Neoplastic Syndromes, Hereditary; Hereditary Cancer Syndrome; Tumor predisposition; Hereditary neoplastic syndrome. Identifiers: Orphanet 140162, MedGen C0027672, MeSH D009386, MONDO:0015356.

Allele frequency attached by ClinVar (database versions not stated): TOPMed 0.00002.
gnomAD v4.1: 3 of 1,613,966 alleles (0.00019%); highest among the groups gnomAD compares: Non-Finnish European, 0.00025%; no homozygotes.

Submissions (4):

Labcorp Genetics (formerly Invitae), Labcorp
Classification: Likely benign for Pheochromocytoma/paraganglioma syndrome 5; Mitochondrial complex II deficiency, nuclear type 1. Last evaluated: 2026-01-05. Review status: criteria provided, single submitter. Criteria: Invitae Variant Classification Sherloc (09022015). Collection method: clinical testing. Allele origin: germline.

Myriad Genetics, Inc.
Classification: Benign for Pheochromocytoma/paraganglioma syndrome 5. Last evaluated: 2025-03-07. Review status: criteria provided, single submitter. Criteria: Myriad Autosomal Dominant, Autosomal Recessive and X-Linked Classification Criteria (2023). Collection method: clinical testing. Allele origin: unknown.
Comment: This variant is considered benign. This variant is a silent/synonymous amino acid change and it is not expected to impact splicing.

Ambry Genetics
Classification: Likely benign for Hereditary cancer-predisposing syndrome. Last evaluated: 2020-08-09. Review status: criteria provided, single submitter. Criteria: Ambry Variant Classification Scheme 2023. Collection method: clinical testing. Allele origin: germline.

GeneDx
Classification: Likely benign. Last evaluated: 2018-06-13. Review status: criteria provided, single submitter. Criteria: GeneDx Variant Classification (06012015). Collection method: clinical testing. Allele origin: germline. Affected: yes.
Comment: This variant is considered likely benign or benign based on one or more of the following criteria: it is a conservative change, it occurs at a poorly conserved position in the protein, it is predicted to be benign by multiple in silico algorithms, and/or has population frequency not consistent with disease.

NM_004168.4(SDHA):c.1140G>A (p.Leu380=)

Gene: SDHA (succinate dehydrogenase complex flavoprotein subunit A; plus strand). Cytogenetic location: 5p15.33.
Variant type: single nucleotide variant.
Coding change: c.1140G>A on transcript NM_004168.4 (MANE Select); coding-DNA position 1140, G replaced by A.
Protein change: p.Leu380=; no amino-acid change (leucine 380 retained).
Molecular consequence: synonymous variant.
Genome position (GRCh38, 1-based): chr5:235,219, G>A. VCF-style: chr5-235219-G-A. GRCh37 (hg19) VCF-style: chr5-235334-G-A.
Other names: c.996G>A, p.Leu332= (NM_001294332.2); c.1140G>A, p.Leu380= (NM_001330758.2).
Identifiers: ClinVar variation 417234 (VCV000417234.15), dbSNP rs146348714, ClinGen allele CA16611883.
Genomic context (GRCh38, chr5:235,219, plus strand): 5'-GAAAGATCACGTCTACCTGCAGCTGCACCACCTACCTCCAGAGCAGCTGGCCACGCGCCT[G>A]CCTGGCATTTCAGAGACAGCCATGATCTTCGCTGGCGTGGACGTCACGAAGGAGCCGATC-3'
Protein context (NP_004159.2, residues 370-390): HLPPEQLATR[Leu380=]PGISETAMIF